The following is an entry in ClinVar:

ClinVar aggregate classification (germline): Uncertain significance. Review status: criteria provided, single submitter (1 of 4 stars). 2 submissions from 2 submitters: Uncertain significance (1). 1 of the submissions does not count toward it. Last evaluated 2023-12-09.

Conditions:
Retinal dystrophy. Also called: Inherited retinal dystrophy. Identifiers: Orphanet 71862, MedGen C0854723, MeSH D058499, MONDO:0019118, HP:0000556.

Allele frequency attached by ClinVar (database versions not stated): TOPMed 0.00001; gnomAD 0.00003 and 0.00004.
gnomAD v4.1: 16 of 1,611,484 alleles (0.00099%); highest among the groups gnomAD compares: African/African-American, 0.0013%; no homozygotes.

Submissions (2):

Labcorp Genetics (formerly Invitae), Labcorp
Classification: Uncertain significance. Last evaluated: 2023-12-09. Review status: criteria provided, single submitter. Criteria: Invitae Variant Classification Sherloc (09022015). Collection method: clinical testing. Allele origin: germline.
Comment: This sequence change replaces arginine, which is basic and polar, with cysteine, which is neutral and slightly polar, at codon 602 of the PDE6B protein (p.Arg602Cys). This variant is present in population databases (rs754298498, gnomAD 0.007%). This variant has not been reported in the literature in individuals affected with PDE6B-related conditions. ClinVar contains an entry for this variant (Variation ID: 1484612). Advanced modeling of protein sequence and biophysical properties (such as structural, functional, and spatial information, amino acid conservation, physicochemical variation, residue mobility, and thermodynamic stability) performed at Invitae indicates that this missense variant is expected to disrupt PDE6B protein function with a positive predictive value of 95%. In summary, the available evidence is currently insufficient to determine the role of this variant in disease. Therefore, it has been classified as a Variant of Uncertain Significance.

Institute of Human Genetics, Univ. Regensburg, Univ. Regensburg
Classification: Uncertain significance for Retinal dystrophy. Last evaluated: 2018-01-01. Review status: no assertion criteria provided. Criteria: ACMG Guidelines, 2015. Collection method: clinical testing. Allele origin: germline. Affected: yes. Not counted in ClinVar's aggregate classification.

NM_000283.4(PDE6B):c.1804C>T (p.Arg602Cys)

Gene: PDE6B (phosphodiesterase 6B; plus strand). Cytogenetic location: 4p16.3.
Variant type: single nucleotide variant.
Coding change: c.1804C>T on transcript NM_000283.4 (MANE Select); coding-DNA position 1804, C replaced by T.
Protein change: p.Arg602Cys; replaces arginine 602 with cysteine.
Molecular consequence: missense variant.
Genome position (GRCh38, 1-based): chr4:662,590, C>T. VCF-style: chr4-662590-C-T. GRCh37 (hg19) VCF-style: chr4-656379-C-T.
Other names: c.967C>T, p.Arg323Cys (NM_001379247.1, NM_001145292.2, NM_001350154.3 and 1 more transcripts); c.1804C>T, p.Arg602Cys (NM_001145291.2); c.649C>T, p.Arg217Cys (NM_001350155.3); short protein forms R217C, R602C, R323C.
Identifiers: ClinVar variation 1484612 (VCV001484612.9), dbSNP rs754298498, ClinGen allele CA2794683.